The following is an entry in ClinVar:

NM_014285.7(EXOSC2):c.271-1G>A

Gene: EXOSC2 (exosome component 2; plus strand). Cytogenetic location: 9q34.12.
Variant type: single nucleotide variant.
Coding change: c.271-1G>A on transcript NM_014285.7 (MANE Select); the canonical splice acceptor site of the intron before coding-DNA position 271, G replaced by A.
Molecular consequence: splice acceptor variant. On other transcripts: intron variant (1).
Genome position (GRCh38, 1-based): chr9:130,698,161, G>A. VCF-style: chr9-130698161-G-A. GRCh37 (hg19) VCF-style: chr9-133573548-G-A.
Other names: c.271-1G>A (NM_001282708.1); c.270+534G>A (NM_001282709.1).
Identifiers: ClinVar variation 2041332 (VCV002041332.4), dbSNP rs775286375, ClinGen allele CA5284813.

ClinVar aggregate classification (germline): Uncertain significance (1 of 4 stars; one submission).

Allele frequency attached by ClinVar (database versions not stated): ExAC 0.00001; gnomAD 0.00001; TOPMed 0.00001.
gnomAD v4.1: 2 of 1,613,838 alleles (0.00012%); highest among the groups gnomAD compares: Non-Finnish European, 0.00017%; no homozygotes.

Submission:

Labcorp Genetics (formerly Invitae), Labcorp
Classification: Uncertain significance. Last evaluated: 2022-07-17. Review status: criteria provided, single submitter. Criteria: Invitae Variant Classification Sherloc (09022015). Collection method: clinical testing. Allele origin: germline.
Comment: This sequence change affects an acceptor splice site in intron 3 of the EXOSC2 gene. It is expected to disrupt RNA splicing. Variants that disrupt the donor or acceptor splice site typically lead to a loss of protein function (PMID: 16199547), however the current clinical and genetic evidence is not sufficient to establish whether loss-of-function variants in EXOSC2 cause disease. This variant is present in population databases (rs775286375, gnomAD 0.002%). In summary, the available evidence is currently insufficient to determine the role of this variant in disease. Therefore, it has been classified as a Variant of Uncertain Significance. Algorithms developed to predict the effect of sequence changes on RNA splicing suggest that this variant may disrupt the consensus splice site. This variant has not been reported in the literature in individuals affected with EXOSC2-related conditions.

Literature cited by the submitters: PubMed 16199547.